The following is an entry in ClinVar:

ClinVar aggregate classification (germline): Likely pathogenic (1 of 4 stars; one submission).

Conditions:
Inborn genetic diseases. Identifiers: MedGen C0950123, MeSH D030342.

Submission:

Ambry Genetics
Classification: Likely pathogenic for Inborn genetic diseases. Last evaluated: 2019-09-17. Review status: criteria provided, single submitter. Criteria: Ambry Variant Classification Scheme 2023. Collection method: clinical testing. Allele origin: germline.
Comment: The c.971delG variant, located in coding exon 1 of the ARID1A gene, results from a deletion of one nucleotide at nucleotide position 971, causing a translational frameshift with a predicted alternate stop codon (p.G324Afs*39). This alteration is expected to result in loss of function by premature protein truncation or nonsense-mediated mRNA decay. Based on the majority of available evidence to date, this variant is likely to be pathogenic.

NM_006015.6(ARID1A):c.971del (p.Gly324fs)

Genes: ARID1A (AT-rich interaction domain 1A; plus strand), LOC129929837 (ATAC-STARR-seq lymphoblastoid silent region 489; plus strand). Cytogenetic location: 1p36.11.
Variant type: Deletion.
Coding change: c.971del on transcript NM_006015.6 (MANE Select); coding-DNA position 971, one base deleted (G; older notation c.971delG).
Protein change: p.Gly324fs; shifts the reading frame from glycine 324.
Molecular consequence: frameshift variant.
Genome position (GRCh38, 1-based): chr1:26,697,374, G deleted; the last of 5 consecutive G bases (chr1:26,697,370-26,697,374); deleting any one gives the same sequence. VCF-style (leftmost placement, unchanged base first): chr1-26697369-CG-C. GRCh37 (hg19) VCF-style: chr1-27023860-CG-C.
Other names: c.971del, p.Gly324fs (NM_139135.4); short protein forms G324fs.
Identifiers: ClinVar variation 1767970 (VCV001767970.2), dbSNP rs1336228861, ClinGen allele CA521910001.
Genomic context (GRCh38, chr1:26,697,369, plus strand): 5'-CAGCTCGGCCCGGGGCTACCAGGGCTACCCCGGGGGCGACTACAGTGGCGGGCCCCAGGA[CG>C]GGGGCGCCGGCAAGGGCCCGGCGGACATGGCCTCGCAGTGTTGGGGGGCTGCGGCGGCGG-3'